The following is an entry in ClinVar:

ClinVar aggregate classification (germline): Conflicting classifications of pathogenicity. Review status: criteria provided, conflicting classifications (1 of 4 stars). 2 submissions from 2 submitters: Uncertain significance (1); Likely benign (1). Last evaluated 2024-05-06.

Conditions:
Hereditary cancer-predisposing syndrome. Also called: Hereditary neoplastic syndrome; Neoplastic Syndromes, Hereditary; Tumor predisposition; Hereditary Cancer Syndrome. Identifiers: Orphanet 140162, MedGen C0027672, MeSH D009386, MONDO:0015356.
Hereditary breast ovarian cancer syndrome. Also called: Hereditary breast and ovarian cancer syndrome; Hereditary breast and/or ovarian cancer syndrome; Hereditary breast and ovarian cancer; Hereditary breast and ovarian cancer syndrome (HBOC); Breast and ovarian cancer; BRCA1- and BRCA2-Associated Hereditary Breast and Ovarian Cancer. Identifiers: Orphanet 145, MedGen C0677776, MeSH D061325, MONDO:0003582. Disease mechanism: loss of function.

Submissions (2):

Labcorp Genetics (formerly Invitae), Labcorp
Classification: Uncertain significance for Hereditary breast ovarian cancer syndrome. Last evaluated: 2024-05-06. Review status: criteria provided, single submitter. Criteria: Invitae Variant Classification Sherloc (09022015). Collection method: clinical testing. Allele origin: germline.
Comment: This sequence change replaces glycine, which is neutral and non-polar, with alanine, which is neutral and non-polar, at codon 774 of the BRCA1 protein (p.Gly774Ala). This variant is not present in population databases (gnomAD no frequency). This variant has not been reported in the literature in individuals affected with BRCA1-related conditions. ClinVar contains an entry for this variant (Variation ID: 1034998). Advanced modeling of protein sequence and biophysical properties (such as structural, functional, and spatial information, amino acid conservation, physicochemical variation, residue mobility, and thermodynamic stability) performed at Invitae indicates that this missense variant is not expected to disrupt BRCA1 protein function with a negative predictive value of 95%. In summary, the available evidence is currently insufficient to determine the role of this variant in disease. Therefore, it has been classified as a Variant of Uncertain Significance.

University of Washington Department of Laboratory Medicine, University of Washington
Classification: Likely benign for Hereditary cancer-predisposing syndrome. Last evaluated: 2023-03-23. Review status: criteria provided, single submitter. Criteria: Dines et al. (Genet Med. 2020). Collection method: curation. Allele origin: germline.
Comment: Missense variant in a coldspot region where missense variants are very unlikely to be pathogenic (PMID:31911673).

BRCA1 coldspot (exon 11 using historical exon numbering). Reclassification based on statistical prior probability

NM_007294.4(BRCA1):c.2321G>C (p.Gly774Ala)

Gene: BRCA1 (BRCA1 DNA repair associated; minus strand). Cytogenetic location: 17q21.31.
Variant type: single nucleotide variant.
Coding change: c.2321G>C on transcript NM_007294.4 (MANE Select); coding-DNA position 2321, G replaced by C.
Protein change: p.Gly774Ala; replaces glycine 774 with alanine.
Molecular consequence: missense variant. On other transcripts: intron variant (137).
Genome position (GRCh38, 1-based): chr17:43,093,210, C>G on the plus strand (G>C on the coding strand, the complement: BRCA1 is on the minus strand). VCF-style: chr17-43093210-C-G. GRCh37 (hg19) VCF-style: chr17-41245227-C-G.
Other names: c.2108G>C, p.Gly703Ala (NM_001407571.1, NM_001407853.1, NM_001407894.1 and 9 more transcripts); c.2321G>C, p.Gly774Ala (NM_001407581.1, NM_001407582.1, NM_001407583.1 and 30 more transcripts); c.2318G>C, p.Gly773Ala (NM_001407587.1, NM_001407590.1, NM_001407591.1 and 22 more transcripts); c.2312G>C, p.Gly771Ala (NM_001407646.1, NM_001407647.1); c.2198G>C, p.Gly733Ala (NM_001407648.1, NM_001407664.1, NM_001407665.1 and 19 more transcripts); c.2195G>C, p.Gly732Ala (NM_001407649.1, NM_001407670.1, NM_001407671.1 and 11 more transcripts); c.2243G>C, p.Gly748Ala (NM_001407653.1, NM_001407654.1, NM_001407655.1 and 4 more transcripts); c.2240G>C, p.Gly747Ala (NM_001407659.1, NM_001407660.1, NM_001407661.1 and 1 more transcripts); and 41 more; short protein forms G727A, G774A, G478A, G663A, G704A, G732A, G747A, G771A.
Identifiers: ClinVar variation 1034998 (VCV001034998.12), dbSNP rs730881482, ClinGen allele CA10597361.